The following is an entry in ClinVar:

NM_004863.4(SPTLC2):c.583G>A (p.Val195Ile)

Gene: SPTLC2 (serine palmitoyltransferase long chain base subunit 2; minus strand). Cytogenetic location: 14q24.3.
Variant type: single nucleotide variant.
Coding change: c.583G>A on transcript NM_004863.4 (MANE Select); coding-DNA position 583, G replaced by A.
Protein change: p.Val195Ile; replaces valine 195 with isoleucine.
Molecular consequence: missense variant.
Genome position (GRCh38, 1-based): chr14:77,576,815, C>T on the plus strand (G>A on the coding strand, the complement: SPTLC2 is on the minus strand). VCF-style: chr14-77576815-C-T. GRCh37 (hg19) VCF-style: chr14-78043158-C-T.
Other names: short protein forms V195I.
Identifiers: ClinVar variation 998641 (VCV000998641.8), dbSNP rs2079718505, ClinGen allele CA390699297.

ClinVar aggregate classification (germline): Uncertain significance (1 of 4 stars; one submission).

Conditions:
Neuropathy, hereditary sensory and autonomic, type 1C. Also called: HSAN IC; HSN IC. Identifiers: Orphanet 36386, MedGen C3150896, MONDO:0013337, OMIM 613640.

Submission:

Labcorp Genetics (formerly Invitae), Labcorp
Classification: Uncertain significance for Neuropathy, hereditary sensory and autonomic, type 1C. Last evaluated: 2020-01-19. Review status: criteria provided, single submitter. Criteria: Invitae Variant Classification Sherloc (09022015). Collection method: clinical testing. Allele origin: germline.
Comment: In summary, the available evidence is currently insufficient to determine the role of this variant in disease. Therefore, it has been classified as a Variant of Uncertain Significance. Algorithms developed to predict the effect of missense changes on protein structure and function output the following: SIFT: "Tolerated"; PolyPhen-2: "Benign"; Align-GVGD: "Class C0". The isoleucine amino acid residue is found in multiple mammalian species, suggesting that this missense change does not adversely affect protein function. These predictions have not been confirmed by published functional studies and their clinical significance is uncertain. This variant has not been reported in the literature in individuals with SPTLC2-related conditions. This variant is not present in population databases (ExAC no frequency). This sequence change replaces valine with isoleucine at codon 195 of the SPTLC2 protein (p.Val195Ile). The valine residue is moderately conserved and there is a small physicochemical difference between valine and isoleucine.